The following is an entry in ClinVar:

ClinVar aggregate classification (germline): Uncertain significance (1 of 4 stars; one submission).

Submission:

GeneDx
Classification: Uncertain significance. Last evaluated: 2023-08-04. Review status: criteria provided, single submitter. Criteria: GeneDx Variant Classification Process June 2021. Collection method: clinical testing. Allele origin: germline. Affected: yes.
Comment: Not observed at significant frequency in large population cohorts (gnomAD); In silico analysis supports that this missense variant has a deleterious effect on protein structure/function; Has not been previously published as pathogenic or benign to our knowledge

NM_021728.4(OTX2):c.321A>T (p.Gln107His)

Gene: OTX2 (orthodenticle homeobox 2; minus strand). Cytogenetic location: 14q22.3.
Variant type: single nucleotide variant.
Coding change: c.321A>T on transcript NM_021728.4 (MANE Select); coding-DNA position 321, A replaced by T.
Protein change: p.Gln107His; replaces glutamine 107 with histidine.
Molecular consequence: missense variant. On other transcripts: non-coding transcript variant (2).
Genome position (GRCh38, 1-based): chr14:56,802,308, T>A on the plus strand (A>T on the coding strand, the complement: OTX2 is on the minus strand). VCF-style: chr14-56802308-T-A. GRCh37 (hg19) VCF-style: chr14-57269026-T-A.
Other names: c.297A>T, p.Gln99His (NM_001270523.2, NM_001270524.2, NM_172337.3); c.321A>T, p.Gln107His (NM_001270525.2); short protein forms Q107H, Q99H.
Identifiers: ClinVar variation 3361626 (VCV003361626.1).
Genomic context (GRCh38, chr14:56,802,308, plus strand): 5'-CCGAGCTGGAGATGTCTTCTTTTTGGCAGGTCTCACTTTGTTTTGACCTCCATTCTGCTG[T>A]TGTTGCTGTTGTTGGCGGCACTTAGCTCTTCGATTCTTAAACCATACCTTGGAAGGGAAA-3'
Protein context (NP_068374.1, residues 97-117): RRAKCRQQQQ[Gln107His]QQNGGQNKVR